The following is an entry in ClinVar:

NM_017739.4(POMGNT1):c.1897G>A (p.Val633Met)

Genes: POMGNT1 (protein O-linked mannose N-acetylglucosaminyltransferase 1 (beta 1,2-); minus strand), TSPAN1 (tetraspanin 1; plus strand). Cytogenetic location: 1p34.1.
Variant type: single nucleotide variant.
Coding change: c.1897G>A on transcript NM_017739.4 (MANE Select); coding-DNA position 1897, G replaced by A.
Protein change: p.Val633Met; replaces valine 633 with methionine.
Molecular consequence: missense variant. On other transcripts: intron variant (1).
Genome position (GRCh38, 1-based): chr1:46,189,356, C>T on the plus strand (G>A on the coding strand, the complement: POMGNT1 is on the minus strand). VCF-style: chr1-46189356-C-T. GRCh37 (hg19) VCF-style: chr1-46655028-C-T.
Other names: c.1871G>A, p.Ser624Asn (NM_001243766.2); c.1831G>A, p.Val611Met (NM_001290129.3); c.1468G>A, p.Val490Met (NM_001290130.2); c.1895+102G>A (NM_001410783.1); short protein forms V633M, S624N, V611M, V490M.
Identifiers: ClinVar variation 1042568 (VCV001042568.9), dbSNP rs1657559085, ClinGen allele CA340170588.

ClinVar aggregate classification (germline): Uncertain significance (1 of 4 stars; one submission).

Conditions:
Autosomal recessive limb-girdle muscular dystrophy type 2O. Also called: Limb-Girdle Muscular Dystrophy Type 3C; MUSCULAR DYSTROPHY-DYSTROGLYCANOPATHY (LIMB-GIRDLE), TYPE C, 3; MUSCULAR DYSTROPHY-DYSTROGLYCANOPATHY, LIMB-GIRDLE, POMGNT1-RELATED. Identifiers: Orphanet 206564, MedGen C3150417, MONDO:0013161, OMIM 613157.
Muscular dystrophy-dystroglycanopathy (congenital with impaired intellectual development), type B, 3. Also called: MUSCULAR DYSTROPHY, CONGENITAL, POMGNT1-RELATED; Muscular dystrophy-dystroglycanopathy (congenital with intellectual disability), type B3. Identifiers: MedGen C3150412, MONDO:0013155, OMIM 613151.

Submission:

Labcorp Genetics (formerly Invitae), Labcorp
Classification: Uncertain significance for Autosomal recessive limb-girdle muscular dystrophy type 2O; Muscular dystrophy-dystroglycanopathy (congenital with impaired intellectual development), type B, 3. Last evaluated: 2020-07-21. Review status: criteria provided, single submitter. Criteria: Invitae Variant Classification Sherloc (09022015). Collection method: clinical testing. Allele origin: germline.
Comment: This variant is not present in population databases (ExAC no frequency). This sequence change replaces valine with methionine at codon 633 of the POMGNT1 protein (p.Val633Met). The valine residue is weakly conserved and there is a small physicochemical difference between valine and methionine. Algorithms developed to predict the effect of missense changes on protein structure and function are either unavailable or do not agree on the potential impact of this missense change (SIFT: "Deleterious"; PolyPhen-2: "Benign"; Align-GVGD: "Class C0"). In summary, the available evidence is currently insufficient to determine the role of this variant in disease. Therefore, it has been classified as a Variant of Uncertain Significance. This variant has not been reported in the literature in individuals with POMGNT1-related conditions.